The following is an entry in ClinVar:

ClinVar aggregate classification (germline): Uncertain significance (1 of 4 stars; one submission).

Allele frequency attached by ClinVar (database versions not stated): gnomAD 0.00001; ExAC 0.00001; gnomAD exomes below 0.00001; TOPMed 0.00001.
gnomAD v4.1: 4 of 1,614,056 alleles (0.00025%); highest among the groups gnomAD compares: South Asian, 0.0022%; no homozygotes.

Submission:

Labcorp Genetics (formerly Invitae), Labcorp
Classification: Uncertain significance. Last evaluated: 2025-03-31. Review status: criteria provided, single submitter. Criteria: Invitae Variant Classification Sherloc (09022015). Collection method: clinical testing. Allele origin: germline.
Comment: This sequence change replaces threonine, which is neutral and polar, with isoleucine, which is neutral and non-polar, at codon 480 of the CAPN5 protein (p.Thr480Ile). This variant is present in population databases (rs782400212, gnomAD 0.0009%). This variant has not been reported in the literature in individuals affected with CAPN5-related conditions. ClinVar contains an entry for this variant (Variation ID: 2135486). Invitae Evidence Modeling of protein sequence and biophysical properties (such as structural, functional, and spatial information, amino acid conservation, physicochemical variation, residue mobility, and thermodynamic stability) indicates that this missense variant is not expected to disrupt CAPN5 protein function with a negative predictive value of 80%. In summary, the available evidence is currently insufficient to determine the role of this variant in disease. Therefore, it has been classified as a Variant of Uncertain Significance.

NM_004055.5(CAPN5):c.1439C>T (p.Thr480Ile)

Gene: CAPN5 (calpain 5; plus strand). Cytogenetic location: 11q13.5.
Variant type: single nucleotide variant.
Coding change: c.1439C>T on transcript NM_004055.5 (MANE Select); coding-DNA position 1439, C replaced by T.
Protein change: p.Thr480Ile; replaces threonine 480 with isoleucine.
Molecular consequence: missense variant.
Genome position (GRCh38, 1-based): chr11:77,120,861, C>T. VCF-style: chr11-77120861-C-T. GRCh37 (hg19) VCF-style: chr11-76831907-C-T.
Other names: short protein forms T480I.
Identifiers: ClinVar variation 2135486 (VCV002135486.4), dbSNP rs782400212, ClinGen allele CA6196815.